The following is an entry in ClinVar:

ClinVar aggregate classification (germline): Pathogenic/Likely pathogenic. Review status: criteria provided, multiple submitters, no conflicts (2 of 4 stars). 3 submissions from 3 submitters: Pathogenic (2); Likely pathogenic (1). Last evaluated 2026-09-01.

Conditions:
Paediatric disorders.
Neurodevelopmental disorder with hypotonia, brain anomalies, distinctive facies, and absent language. Also called: RNU4-2-Related Neurodevelopmental Disorder; ReNU SYNDROME; RNU4-2–Related Autosomal Dominant Neurodevelopmental Disorder. Identifiers: Orphanet 686488, MedGen C5935628, MONDO:0971172, OMIM 620851.

Submissions (3):

CeGaT Center for Human Genetics Tuebingen
Classification: Pathogenic. Last evaluated: 2026-09-01. Review status: criteria provided, single submitter. Criteria: CeGaT Center For Human Genetics Tuebingen Variant Classification Criteria Version 2. Collection method: clinical testing. Allele origin: germline. Affected: yes. Observed: 1 variant allele.
Comment: RNU4-2: PS2:Very Strong, PS4, PM2

North West Genomic Laboratory Hub, Manchester University NHS Foundation Trust
Classification: Likely pathogenic for Paediatric disorders. Last evaluated: 2025-09-25. Review status: criteria provided, single submitter. Criteria: ACGS Best Practice Guidelines for Variant Classification in Rare Disease 2024. Collection method: clinical testing. Allele origin: germline. Affected: yes.
Comment: PM2_Mod PS4_Mod PM1_Mod PS2_Mod

Institute for Human Genetics, University Hospital Essen
Classification: Pathogenic for Neurodevelopmental disorder with hypotonia, brain anomalies, distinctive facies, and absent language. Last evaluated: 2005-03-05. Review status: criteria provided, single submitter. Criteria: ACMG Guidelines, 2015. Collection method: clinical testing. Allele origin: de novo. Inheritance: Autosomal dominant inheritance. Affected: yes.
Comment: PM2_supp, PS2, PS3, PS4_supp

NR_003137.3(RNU4-2):n.77_78insT

Genes: RNU4-2 (RNA, U4 small nuclear 2; minus strand), SIRT4 (sirtuin 4; plus strand). Cytogenetic location: 12q24.23.
Variant type: Insertion.
Molecular consequence: non-coding transcript variant (on NR_003137.3).
Genome position: GRCh38 VCF-style: chr12-120291826-T-TA. GRCh37 (hg19) VCF-style: chr12-120729629-T-TA.
Identifiers: ClinVar variation 3766428 (VCV003766428.3).
Genomic context (GRCh38, chr12:120,291,826, plus strand): 5'-CCGTAGAGACTGTCAAAAATTGCCAATGCCGACTATATTTCAAGTCGTCATGGCGGGGTA[T>TA]TGGGAAAAGTTTTCAATTAGCAATAATCGCGCCTCGGATAAACCTCATTGGCTACGATAC-3'